The following is an entry in ClinVar:

NM_004082.5(DCTN1):c.3441G>A (p.Ala1147=)

Gene: DCTN1 (dynactin subunit 1; minus strand). Cytogenetic location: 2p13.1.
Variant type: single nucleotide variant.
Coding change: c.3441G>A on transcript NM_004082.5 (MANE Select); coding-DNA position 3441, G replaced by A.
Protein change: p.Ala1147=; no amino-acid change (alanine 1147 retained).
Molecular consequence: synonymous variant. On other transcripts: non-coding transcript variant (1).
Genome position (GRCh38, 1-based): chr2:74,363,082, C>T on the plus strand (G>A on the coding strand, the complement: DCTN1 is on the minus strand). VCF-style: chr2-74363082-C-T. GRCh37 (hg19) VCF-style: chr2-74590209-C-T.
Other names: c.3366G>A, p.Ala1122= (NM_001135040.3); c.3024G>A, p.Ala1008= (NM_001135041.3); c.3315G>A, p.Ala1105= (NM_001190836.2); c.3420G>A, p.Ala1140= (NM_001190837.2); c.3390G>A, p.Ala1130= (NM_001378991.1); c.3372G>A, p.Ala1124= (NM_001378992.1); c.3039G>A, p.Ala1013= (NM_023019.4); c.3441G>A (NM_004082.4).
Identifiers: ClinVar variation 1546004 (VCV001546004.10), dbSNP rs760282295, ClinGen allele CA426812755.

ClinVar aggregate classification (germline): Likely benign. Review status: criteria provided, multiple submitters, no conflicts (2 of 4 stars). 3 submissions from 3 submitters: Likely benign (2). 1 of the submissions does not count toward it. Last evaluated 2025-06-24.

Conditions:
DCTN1-related disorder. Also called: DCTN1-related condition.
Amyotrophic lateral sclerosis type 1 (ALS1). Also called: AMYOTROPHIC LATERAL SCLEROSIS 1, FAMILIAL. Identifiers: Orphanet 803, MedGen C1862939, MONDO:0007103, OMIM 105400.
Neuronopathy, distal hereditary motor, type 7B. Also called: NEURONOPATHY, DISTAL HEREDITARY MOTOR, AUTOSOMAL DOMINANT 14; NEURONOPATHY, DISTAL HEREDITARY MOTOR, HARDING TYPE VIIB; NEUROPATHY, DISTAL HEREDITARY MOTOR, HARDING TYPE VIIB; NEUROPATHY, DISTAL HEREDITARY MOTOR, WITH VOCAL CORD PARALYSIS, HARDING TYPE VIIB; Distal Hereditary Motor Neuronopathy Type 7B (dHMN7B); HMN VIIB. Identifiers: Orphanet 139589, MedGen C1843315, MONDO:0011879, OMIM 607641.
Perry syndrome. Also called: PARKINSONISM WITH ALVEOLAR HYPOVENTILATION AND MENTAL DEPRESSION. Identifiers: Orphanet 178509, MedGen C1868594, MONDO:0008201, OMIM 168605.

Allele frequency attached by ClinVar (database versions not stated): gnomAD 0.00001.
gnomAD v4.1: 19 of 1,613,584 alleles (0.0012%); highest among the groups gnomAD compares: African/African-American, 0.0067%; no homozygotes.

Submissions (3):

Labcorp Genetics (formerly Invitae), Labcorp
Classification: Likely benign for Amyotrophic lateral sclerosis type 1; Neuronopathy, distal hereditary motor, type 7B; Perry syndrome. Last evaluated: 2025-06-24. Review status: criteria provided, single submitter. Criteria: Invitae Variant Classification Sherloc (09022015). Collection method: clinical testing. Allele origin: germline.

Breakthrough Genomics
Classification: Likely benign. Review status: criteria provided, single submitter. Criteria: ACMG Guidelines, 2015. Collection method: not provided. Allele origin: germline. Inheritance: Autosomal recessive inheritance. Affected: yes.

PreventionGenetics, part of Exact Sciences
Classification: Likely benign for DCTN1-related condition. Last evaluated: 2024-05-28. Review status: no assertion criteria provided. Collection method: clinical testing. Allele origin: germline. Not counted in ClinVar's aggregate classification.
Comment: This variant is classified as likely benign based on ACMG/AMP sequence variant interpretation guidelines (Richards et al. 2015 PMID: 25741868, with internal and published modifications).